The following is an entry in ClinVar:

NM_000043.6(FAS):c.869C>T (p.Ala290Val)

Gene: FAS (Fas cell surface death receptor; plus strand). Cytogenetic location: 10q23.31.
Variant type: single nucleotide variant.
Coding change: c.869C>T on transcript NM_000043.6 (MANE Select); coding-DNA position 869, C replaced by T.
Protein change: p.Ala290Val; replaces alanine 290 with valine.
Molecular consequence: missense variant. On other transcripts: 3 prime UTR variant (2), non-coding transcript variant (7).
Genome position (GRCh38, 1-based): chr10:89,014,311, C>T. VCF-style: chr10-89014311-C-T. GRCh37 (hg19) VCF-style: chr10-90774068-C-T.
Other names: c.*192C>T (NM_001320619.2); c.914C>T, p.Ala305Val (NM_001410956.1); c.806C>T, p.Ala269Val (NM_152871.4); c.*181C>T (NM_152872.4); short protein forms A269V, A290V, A305V.
Identifiers: ClinVar variation 2961796 (VCV002961796.3), dbSNP rs760993872, ClinGen allele CA5593229.

ClinVar aggregate classification (germline): Uncertain significance (1 of 4 stars; one submission).

Conditions:
Autoimmune lymphoproliferative syndrome type 1. Also called: AUTOIMMUNE LYMPHOPROLIFERATIVE SYNDROME, TYPE I, AUTOSOMAL DOMINANT. Identifiers: Orphanet 3261, MedGen C2717884, MONDO:0011158, OMIM 601859.

Allele frequency attached by ClinVar (database versions not stated): TOPMed below 0.00001; ExAC 0.00001; gnomAD exomes below 0.00001; gnomAD 0.00001.
gnomAD v4.1: 7 of 1,613,768 alleles (0.00043%); highest among the groups gnomAD compares: Middle Eastern, 0.016%; no homozygotes.

Submission:

Labcorp Genetics (formerly Invitae), Labcorp
Classification: Uncertain significance for Autoimmune lymphoproliferative syndrome. Last evaluated: 2023-01-06. Review status: criteria provided, single submitter. Criteria: Invitae Variant Classification Sherloc (09022015). Collection method: clinical testing. Allele origin: germline.
Comment: In summary, the available evidence is currently insufficient to determine the role of this variant in disease. Therefore, it has been classified as a Variant of Uncertain Significance. Advanced modeling of protein sequence and biophysical properties (such as structural, functional, and spatial information, amino acid conservation, physicochemical variation, residue mobility, and thermodynamic stability) performed at Invitae indicates that this missense variant is expected to disrupt FAS protein function. This variant has not been reported in the literature in individuals affected with FAS-related conditions. This variant is present in population databases (rs760993872, gnomAD 0.0009%). This sequence change replaces alanine, which is neutral and non-polar, with valine, which is neutral and non-polar, at codon 290 of the FAS protein (p.Ala290Val).